The following is an entry in ClinVar:

ClinVar aggregate classification (germline): Likely benign. Review status: criteria provided, multiple submitters, no conflicts (2 of 4 stars). 3 submissions from 3 submitters: Likely benign (2). 1 of the submissions does not count toward it. Last evaluated 2026-02-07.

Conditions:
Pontocerebellar hypoplasia type 2D (PCH2D). Also called: Progressive cerebello-cerebral atrophy. Identifiers: Orphanet 247198, Orphanet 2524, MedGen C3151140, MONDO:0013438, OMIM 613811.
SEPSECS-related disorder. Also called: SEPSECS-related condition.

Allele frequency attached by ClinVar (database versions not stated): gnomAD exomes 0.00005 and 0.00010; ExAC 0.00010; gnomAD 0.00010 and 0.00011; TOPMed 0.00013; ESP Exome Variant Server 0.00031.
gnomAD v4.1: 72 of 1,379,862 alleles (0.0052%); highest among the groups gnomAD compares: African/African-American, 0.036%; 1 homozygote.

Submissions (3):

PreventionGenetics, part of Exact Sciences
Classification: Likely benign for SEPSECS-related condition. Last evaluated: 2026-02-07. Review status: criteria provided, single submitter. Criteria: ACMG Guidelines, 2015. Collection method: clinical testing. Allele origin: germline.
Comment: This variant is classified as likely benign based on ACMG/AMP sequence variant interpretation guidelines (Richards et al. 2015 PMID: 25741868, with internal and published modifications).

Labcorp Genetics (formerly Invitae), Labcorp
Classification: Likely benign. Last evaluated: 2026-01-13. Review status: criteria provided, single submitter. Criteria: Invitae Variant Classification Sherloc (09022015). Collection method: clinical testing. Allele origin: germline.

Natera, Inc.
Classification: Uncertain significance for Pontocerebellar hypoplasia type 2d. Last evaluated: 2020-03-11. Review status: no assertion criteria provided. Collection method: clinical testing. Allele origin: germline. Not counted in ClinVar's aggregate classification.

NM_016955.4(SEPSECS):c.388+10G>A

Gene: SEPSECS (Sep (O-phosphoserine) tRNA:Sec (selenocysteine) tRNA synthase; minus strand). Cytogenetic location: 4p15.2.
Variant type: single nucleotide variant.
Coding change: c.388+10G>A on transcript NM_016955.4 (MANE Select); 10 bases into the intron after coding-DNA position 388, G replaced by A.
Molecular consequence: intron variant.
Genome position (GRCh38, 1-based): chr4:25,156,846, C>T on the plus strand (G>A on the coding strand, the complement: SEPSECS is on the minus strand). VCF-style: chr4-25156846-C-T. GRCh37 (hg19) VCF-style: chr4-25158468-C-T.
Identifiers: ClinVar variation 695730 (VCV000695730.14), dbSNP rs376797370, ClinGen allele CA2877465.